The following is an entry in ClinVar:

ClinVar aggregate classification (germline): Uncertain significance. Review status: criteria provided, multiple submitters, no conflicts (2 of 4 stars). 2 submissions from 2 submitters: Uncertain significance (2). Last evaluated 2026-06-23.

Conditions:
Inborn genetic diseases. Identifiers: MedGen C0950123, MeSH D030342.

Allele frequency attached by ClinVar (database versions not stated): gnomAD exomes below 0.00001.
gnomAD v4.1: 1 of 1,612,932 alleles (0.000062%); highest among the groups gnomAD compares: Non-Finnish European, 0.000085%; no homozygotes.

Submissions (2):

Ambry Genetics
Classification: Uncertain significance for Inborn genetic diseases. Last evaluated: 2026-06-23. Review status: criteria provided, single submitter. Criteria: Ambry Variant Classification Scheme 2023. Collection method: clinical testing. Allele origin: germline.

Labcorp Genetics (formerly Invitae), Labcorp
Classification: Uncertain significance. Last evaluated: 2021-04-14. Review status: criteria provided, single submitter. Criteria: Invitae Variant Classification Sherloc (09022015). Collection method: clinical testing. Allele origin: germline.
Comment: In summary, the available evidence is currently insufficient to determine the role of this variant in disease. Therefore, it has been classified as a Variant of Uncertain Significance. Algorithms developed to predict the effect of missense changes on protein structure and function are either unavailable or do not agree on the potential impact of this missense change (SIFT: "Deleterious"; PolyPhen-2: "Probably Damaging"; Align-GVGD: "Class C15"). This variant has not been reported in the literature in individuals with CDH2-related conditions. This variant is not present in population databases (ExAC no frequency). This sequence change replaces isoleucine with phenylalanine at codon 593 of the CDH2 protein (p.Ile593Phe). The isoleucine residue is highly conserved and there is a small physicochemical difference between isoleucine and phenylalanine.

NM_001792.5(CDH2):c.1777A>T (p.Ile593Phe)

Gene: CDH2 (cadherin 2; minus strand). Cytogenetic location: 18q12.1.
Variant type: single nucleotide variant.
Coding change: c.1777A>T on transcript NM_001792.5 (MANE Select); coding-DNA position 1777, A replaced by T.
Protein change: p.Ile593Phe; replaces isoleucine 593 with phenylalanine.
Molecular consequence: missense variant.
Genome position (GRCh38, 1-based): chr18:27,985,726, T>A on the plus strand (A>T on the coding strand, the complement: CDH2 is on the minus strand). VCF-style: chr18-27985726-T-A. GRCh37 (hg19) VCF-style: chr18-25565690-T-A.
Other names: c.1684A>T, p.Ile562Phe (NM_001308176.2); c.1777A>T (NM_001792.3); short protein forms I562F, I593F.
Identifiers: ClinVar variation 1467129 (VCV001467129.9), dbSNP rs200380794, ClinGen allele CA297680238.
Genomic context (GRCh38, chr18:27,985,726, plus strand): 5'-AAGTCTCTGCCTCTTGAGGTAACACTTGAGGGGCATTGTCATTAATATCAAGTAAATAGA[T>A]CTGCAGCGTTCCTGTTCCACTCATAGGAGGAATTCCTGAAAAGAGAGAAAAATCACAAAT-3'
Protein context (NP_001783.2, residues 583-603): PPMSGTGTLQ[Ile593Phe]YLLDINDNAP